The following is an entry in ClinVar:

NM_006030.4(CACNA2D2):c.721C>T (p.Gln241Ter)

Gene: CACNA2D2 (calcium voltage-gated channel auxiliary subunit alpha2delta 2; minus strand). Cytogenetic location: 3p21.31.
Variant type: single nucleotide variant.
Coding change: c.721C>T on transcript NM_006030.4 (MANE Select); coding-DNA position 721, C replaced by T.
Protein change: p.Gln241Ter; replaces glutamine 241 with a stop codon.
Molecular consequence: nonsense.
Genome position (GRCh38, 1-based): chr3:50,381,058, G>A on the plus strand (C>T on the coding strand, the complement: CACNA2D2 is on the minus strand). VCF-style: chr3-50381058-G-A. GRCh37 (hg19) VCF-style: chr3-50418489-G-A.
Other names: c.721C>T, p.Gln241Ter (NM_001005505.3, NM_001174051.3, NM_001410768.1); c.514C>T, p.Gln172Ter (NM_001291101.1); short protein forms Q172*, Q241*.
Identifiers: ClinVar variation 4731348 (VCV004731348.1).

ClinVar aggregate classification (germline): Pathogenic (1 of 4 stars; one submission).

Conditions:
Early-infantile DEE. Also called: Early infantile epileptic encephalopathy; Early infantile epileptic encephalopathy with suppression bursts; Ohtahara syndrome. Identifiers: Orphanet 1934, MedGen C0393706, MONDO:0800491.

Submission:

Labcorp Genetics (formerly Invitae), Labcorp
Classification: Pathogenic for Early-infantile DEE. Last evaluated: 2025-11-19. Review status: criteria provided, single submitter. Criteria: Invitae Variant Classification Sherloc (09022015). Collection method: clinical testing. Allele origin: germline.
Comment: This sequence change creates a premature translational stop signal (p.Gln241*) in the CACNA2D2 gene. It is expected to result in an absent or disrupted protein product. Loss-of-function variants in CACNA2D2 are known to be pathogenic (PMID: 24358150). This variant is not present in population databases (gnomAD no frequency). This variant has not been reported in the literature in individuals affected with CACNA2D2-related conditions. For these reasons, this variant has been classified as Pathogenic.

Literature cited by the submitters: PubMed 24358150.